The following is an entry in ClinVar:

NM_004255.4(COX5A):c.74C>G (p.Ser25Cys)

Genes: COX5A (cytochrome c oxidase subunit 5A; minus strand), LOC130057573 (ATAC-STARR-seq lymphoblastoid silent region 6661; plus strand). Cytogenetic location: 15q24.2.
Variant type: single nucleotide variant.
Coding change: c.74C>G on transcript NM_004255.4 (MANE Select); coding-DNA position 74, C replaced by G.
Protein change: p.Ser25Cys; replaces serine 25 with cysteine.
Molecular consequence: missense variant.
Genome position (GRCh38, 1-based): chr15:74,937,941, G>C on the plus strand (C>G on the coding strand, the complement: COX5A is on the minus strand). VCF-style: chr15-74937941-G-C. GRCh37 (hg19) VCF-style: chr15-75230282-G-C.
Other names: short protein forms S25C.
Identifiers: ClinVar variation 783061 (VCV000783061.14), dbSNP rs200367305, ClinGen allele CA7663013.

ClinVar aggregate classification (germline): Likely benign. Review status: criteria provided, multiple submitters, no conflicts (2 of 4 stars). 3 submissions from 3 submitters: Likely benign (2). 1 of the submissions does not count toward it. Last evaluated 2026-08-01.

Conditions:
COX5A-related disorder. Also called: COX5A-related condition.

Allele frequency attached by ClinVar (database versions not stated): ExAC 0.00397; 1000 Genomes Project 0.00080; 1000 Genomes Project 30x 0.00094; TOPMed 0.00213; gnomAD 0.00218 and 0.00226; gnomAD exomes 0.00316.
gnomAD v4.1: 4,299 of 1,232,312 alleles (0.35%); highest among the groups gnomAD compares: Non-Finnish European, 0.41%; 10 homozygotes.

Submissions (3):

CeGaT Center for Human Genetics Tuebingen
Classification: Likely benign. Last evaluated: 2026-08-01. Review status: criteria provided, single submitter. Criteria: CeGaT Center For Human Genetics Tuebingen Variant Classification Criteria Version 2. Collection method: clinical testing. Allele origin: germline. Affected: yes. Observed: 2 variant alleles.
Comment: COX5A: BS2

Labcorp Genetics (formerly Invitae), Labcorp
Classification: Likely benign. Last evaluated: 2019-12-31. Review status: criteria provided, single submitter. Criteria: Invitae Variant Classification Sherloc (09022015). Collection method: clinical testing. Allele origin: germline.

PreventionGenetics, part of Exact Sciences
Classification: Likely benign for COX5A-related condition. Last evaluated: 2022-01-13. Review status: no assertion criteria provided. Collection method: clinical testing. Allele origin: germline. Not counted in ClinVar's aggregate classification.
Comment: This variant is classified as likely benign based on ACMG/AMP sequence variant interpretation guidelines (Richards et al. 2015 PMID: 25741868, with internal and published modifications).